The following is an entry in ClinVar:

NM_004304.5(ALK):c.628G>A (p.Ala210Thr)

Gene: ALK (ALK receptor tyrosine kinase; minus strand). Cytogenetic location: 2p23.1.
Variant type: single nucleotide variant.
Coding change: c.628G>A on transcript NM_004304.5 (MANE Select); coding-DNA position 628, G replaced by A.
Protein change: p.Ala210Thr; replaces alanine 210 with threonine.
Molecular consequence: missense variant.
Genome position (GRCh38, 1-based): chr2:29,920,032, C>T on the plus strand (G>A on the coding strand, the complement: ALK is on the minus strand). VCF-style: chr2-29920032-C-T. GRCh37 (hg19) VCF-style: chr2-30142898-C-T.
Other names: short protein forms A210T.
Identifiers: ClinVar variation 538209 (VCV000538209.11), dbSNP rs755697363, ClinGen allele CA1594931.

ClinVar aggregate classification (germline): Conflicting classifications of pathogenicity. Review status: criteria provided, conflicting classifications (1 of 4 stars). 2 submissions from 2 submitters: Uncertain significance (1); Likely benign (1). Last evaluated 2025-09-19.

Conditions:
Hereditary cancer-predisposing syndrome. Also called: Neoplastic Syndromes, Hereditary; Tumor predisposition; Hereditary Cancer Syndrome; Hereditary neoplastic syndrome. Identifiers: Orphanet 140162, MedGen C0027672, MeSH D009386, MONDO:0015356.
Neuroblastoma, susceptibility to, 3. Also called: ALK-Related Neuroblastic Tumor Susceptibility. Identifiers: Orphanet 635, MedGen C2751681, MONDO:0013083, OMIM 613014.

Allele frequency attached by ClinVar (database versions not stated): gnomAD exomes 0.00002; ExAC 0.00003.
gnomAD v4.1: 14 of 1,614,132 alleles (0.00087%); highest among the groups gnomAD compares: South Asian, 0.012%; no homozygotes.

Submissions (2):

Labcorp Genetics (formerly Invitae), Labcorp
Classification: Uncertain significance for Neuroblastoma, susceptibility to, 3. Last evaluated: 2025-09-19. Review status: criteria provided, single submitter. Criteria: Invitae Variant Classification Sherloc (09022015). Collection method: clinical testing. Allele origin: germline.
Comment: This sequence change replaces alanine, which is neutral and non-polar, with threonine, which is neutral and polar, at codon 210 of the ALK protein (p.Ala210Thr). This variant is present in population databases (rs755697363, gnomAD 0.02%). This variant has not been reported in the literature in individuals affected with ALK-related conditions. ClinVar contains an entry for this variant (Variation ID: 538209). An algorithm developed to predict the effect of missense changes on protein structure and function (PolyPhen-2) suggests that this variant is likely to be tolerated. In summary, the available evidence is currently insufficient to determine the role of this variant in disease. Therefore, it has been classified as a Variant of Uncertain Significance.

Ambry Genetics
Classification: Likely benign for Hereditary cancer-predisposing syndrome. Last evaluated: 2025-04-12. Review status: criteria provided, single submitter. Criteria: Ambry Variant Classification Scheme 2023. Collection method: clinical testing. Allele origin: germline.